The following is an entry in ClinVar:

NM_003227.4(TFR2):c.124del (p.Glu42fs)

Gene: TFR2 (transferrin receptor 2; minus strand). Cytogenetic location: 7q22.1.
Variant type: Deletion.
Coding change: c.124del on transcript NM_003227.4 (MANE Select); coding-DNA position 124, one base deleted (G; older notation c.124delG).
Protein change: p.Glu42fs; shifts the reading frame from glutamic acid 42.
Molecular consequence: frameshift variant.
Genome position (GRCh38, 1-based): chr7:100,641,138, C deleted on the plus strand (G on the coding strand, the reverse complement: TFR2 is on the minus strand); the first of 4 consecutive C bases (chr7:100,641,138-100,641,141); deleting any one gives the same sequence. VCF-style (leftmost placement, unchanged base first): chr7-100641137-TC-T. GRCh37 (hg19) VCF-style: chr7-100238760-TC-T.
Other names: c.124delG (NM_003227.3); short protein forms E42fs.
Identifiers: ClinVar variation 2786414 (VCV002786414.4), dbSNP rs2486147767, ClinGen allele CA2531603767.

ClinVar aggregate classification (germline): Pathogenic/Likely pathogenic. Review status: criteria provided, multiple submitters, no conflicts (2 of 4 stars). 2 submissions from 2 submitters: Pathogenic (1); Likely pathogenic (1). Last evaluated 2025-09-25.

Conditions:
Hereditary hemochromatosis (HFE). Identifiers: MedGen C0392514, MONDO:0006507. Disease mechanism: loss of function.
Hemochromatosis type 3 (HFE3). Also called: HEMOCHROMATOSIS DUE TO DEFECT IN TRANSFERRIN RECEPTOR 2; Hereditary hemochromatosis type 3; TFR2-Related Hemochromatosis. Identifiers: Orphanet 225123, MedGen C1858664, MONDO:0011417, OMIM 604250.

Submissions (2):

Natera, Inc.
Classification: Likely pathogenic for Hereditary hemochromatosis type 3. Last evaluated: 2025-09-25. Review status: criteria provided, single submitter. Criteria: Natera Variant Classification Schema (03/2026). Collection method: clinical testing. Allele origin: germline.
Comment: The c.124delG variant in TFR2 is a frameshift variant predicted to shift the reading frame beginning at codon 42 and leads to a stop codon 15 codons downstream. This variant is expected to result in nonsense mediated decay, truncation, or a dysfunctional protein product. This variant is rare in the general population with a frequency below the threshold expected for the associated phenotype(s). Given the available evidence, this variant is classified as Likely Pathogenic.

Labcorp Genetics (formerly Invitae), Labcorp
Classification: Pathogenic for Hereditary hemochromatosis. Last evaluated: 2023-06-05. Review status: criteria provided, single submitter. Criteria: Invitae Variant Classification Sherloc (09022015). Collection method: clinical testing. Allele origin: germline.
Comment: For these reasons, this variant has been classified as Pathogenic. Algorithms developed to predict the effect of sequence changes on RNA splicing suggest that this variant may disrupt the consensus splice site. This variant has not been reported in the literature in individuals affected with TFR2-related conditions. This variant is not present in population databases (gnomAD no frequency). This sequence change creates a premature translational stop signal (p.Glu42Argfs*15) in the TFR2 gene. It is expected to result in an absent or disrupted protein product. Loss-of-function variants in TFR2 are known to be pathogenic (PMID: 23600741, 26029709).

Literature cited by the submitters: PubMed 23600741 (cited by Labcorp Genetics (formerly Invitae), Labcorp); PubMed 26029709 (cited by Labcorp Genetics (formerly Invitae), Labcorp).